The following is an entry in ClinVar:

NM_000202.8(IDS):c.265G>A (p.Val89Ile)

Gene: IDS (iduronate 2-sulfatase; minus strand). Cytogenetic location: Xq28.
Variant type: single nucleotide variant.
Coding change: c.265G>A on transcript NM_000202.8 (MANE Select); coding-DNA position 265, G replaced by A.
Protein change: p.Val89Ile; replaces valine 89 with isoleucine.
Molecular consequence: missense variant. On other transcripts: non-coding transcript variant (1), intron variant (1).
Genome position (GRCh38, 1-based): chrX:149,503,465, C>T on the plus strand (G>A on the coding strand, the complement: IDS is on the minus strand). VCF-style: chrX-149503465-C-T. GRCh37 (hg19) VCF-style: chrX-148584995-C-T.
Other names: c.265G>A, p.Val89Ile (NM_006123.5); c.15-20G>A (NM_001166550.4); short protein forms V89I.
Identifiers: ClinVar variation 3705428 (VCV003705428.3).

ClinVar aggregate classification (germline): Uncertain significance (1 of 4 stars; one submission).

Conditions:
Mucopolysaccharidosis, MPS-II (MPS2). Also called: IDS deficiency; Sulfoiduronate sulfatase deficiency; SIDS deficiency; Attenuated MPS (subtype; formerly known as mild MPS II); Severe MPS II; I2S deficiency. Identifiers: Orphanet 580, Orphanet 79388, MedGen C0026705, MONDO:0010674, OMIM 309900.

gnomAD v4.1: 16 of 1,162,348 alleles (0.0014%); highest among the groups gnomAD compares: Admixed American, 0.0073%; no homozygotes.

Submission:

Labcorp Genetics (formerly Invitae), Labcorp
Classification: Uncertain significance for Mucopolysaccharidosis, MPS-II. Last evaluated: 2025-09-02. Review status: criteria provided, single submitter. Criteria: Invitae Variant Classification Sherloc (09022015). Collection method: clinical testing. Allele origin: germline.
Comment: This sequence change replaces valine, which is neutral and non-polar, with isoleucine, which is neutral and non-polar, at codon 89 of the IDS protein (p.Val89Ile). This variant is present in population databases (no rsID available, gnomAD 0.01%). This variant has not been reported in the literature in individuals affected with IDS-related conditions. ClinVar contains an entry for this variant (Variation ID: 3705428). Invitae Evidence Modeling of protein sequence and biophysical properties (such as structural, functional, and spatial information, amino acid conservation, physicochemical variation, residue mobility, and thermodynamic stability) indicates that this missense variant is not expected to disrupt IDS protein function with a negative predictive value of 80%. In summary, the available evidence is currently insufficient to determine the role of this variant in disease. Therefore, it has been classified as a Variant of Uncertain Significance.